The following is an entry in ClinVar:

ClinVar aggregate classification (germline): Conflicting classifications of pathogenicity. Review status: criteria provided, conflicting classifications (1 of 4 stars). 7 submissions from 7 submitters: Uncertain significance (6); Likely benign (1). Last evaluated 2025-07-10.

Conditions:
Parkinsonian-pyramidal syndrome. Also called: PARKINSON DISEASE 15, AUTOSOMAL RECESSIVE; PARKINSON DISEASE 15, AUTOSOMAL RECESSIVE EARLY-ONSET; PALLIDOPYRAMIDAL SYNDROME. Identifiers: Orphanet 171695, MedGen C1850100, MONDO:0009830, OMIM 260300.

Allele frequency attached by ClinVar (database versions not stated): 1000 Genomes Project 0.00020; ExAC 0.00030; 1000 Genomes Project 30x 0.00031; gnomAD exomes 0.00034; ESP Exome Variant Server 0.00046; TOPMed 0.00050; gnomAD 0.00052 and 0.00054.
gnomAD v4.1: 1,162 of 1,614,182 alleles (0.072%); highest among the groups gnomAD compares: Non-Finnish European, 0.093%; 2 homozygotes.

Submissions (7):

GeneDx
Classification: Uncertain significance. Last evaluated: 2025-07-10. Review status: criteria provided, single submitter. Criteria: GeneDx Variant Classification Process June 2021. Collection method: clinical testing. Allele origin: germline. Affected: yes.
Comment: Identified in the heterozygous state in an individual with Parkinson disease in the published literature; however, a second FBX07 variant was not identified (PMID: 27294386); In silico analysis suggests that this missense variant does not alter protein structure/function; This variant is associated with the following publications: (PMID: 27294386)

Blueprint Genetics
Classification: Likely benign. Last evaluated: 2024-10-21. Review status: criteria provided, single submitter. Criteria: ACMG Guidelines, 2015. Collection method: clinical testing. Allele origin: germline.

Labcorp Genetics (formerly Invitae), Labcorp
Classification: Uncertain significance for Parkinsonian-pyramidal syndrome. Last evaluated: 2022-10-05. Review status: criteria provided, single submitter. Criteria: Invitae Variant Classification Sherloc (09022015). Collection method: clinical testing. Allele origin: germline.
Comment: This sequence change replaces valine, which is neutral and non-polar, with isoleucine, which is neutral and non-polar, at codon 485 of the FBXO7 protein (p.Val485Ile). This variant is present in population databases (rs141286570, gnomAD 0.06%). This missense change has been observed in individual(s) with Parkinson's disease (PMID: 27294386). ClinVar contains an entry for this variant (Variation ID: 597905). Advanced modeling of protein sequence and biophysical properties (such as structural, functional, and spatial information, amino acid conservation, physicochemical variation, residue mobility, and thermodynamic stability) performed at Invitae indicates that this missense variant is not expected to disrupt FBXO7 protein function. In summary, the available evidence is currently insufficient to determine the role of this variant in disease. Therefore, it has been classified as a Variant of Uncertain Significance.

Revvity Omics, Revvity
Classification: Uncertain significance for Parkinsonian-pyramidal syndrome. Last evaluated: 2022-01-10. Review status: criteria provided, single submitter. Criteria: ACMG Guidelines, 2015. Collection method: clinical testing. Allele origin: germline.

Fulgent Genetics
Classification: Uncertain significance for Parkinsonian-pyramidal syndrome. Last evaluated: 2021-10-26. Review status: criteria provided, single submitter. Criteria: ACMG Guidelines, 2015. Collection method: clinical testing. Allele origin: unknown.

Eurofins Ntd Llc (ga)
Classification: Uncertain significance. Last evaluated: 2018-07-10. Review status: criteria provided, single submitter. Criteria: EGL ClinVar v180209 classification definitions. Collection method: clinical testing. Allele origin: germline. Observed: 1 variant allele, 1 heterozygote.

Illumina Laboratory Services, Illumina
Classification: Uncertain significance for Parkinsonian-pyramidal syndrome. Last evaluated: 2017-04-27. Review status: criteria provided, single submitter. Criteria: ICSL Variant Classification Criteria 13 December 2019. Collection method: clinical testing. Allele origin: germline.
Comment: This variant was observed as part of a predisposition screen in an ostensibly healthy population. A literature search was performed for the gene, cDNA change, and amino acid change (where applicable). Publications were found based on this search. However, the evidence from the literature, in combination with allele frequency data from public databases where available, was not sufficient to rule this variant in or out of causing disease. Therefore, this variant is classified as a variant of unknown significance.

Literature cited by the submitters: PubMed 27294386 (cited by 3 submitters).

NM_012179.4(FBXO7):c.1453G>A (p.Val485Ile)

Gene: FBXO7 (F-box protein 7; plus strand). Cytogenetic location: 22q12.3.
Variant type: single nucleotide variant.
Coding change: c.1453G>A on transcript NM_012179.4 (MANE Select); coding-DNA position 1453, G replaced by A.
Protein change: p.Val485Ile; replaces valine 485 with isoleucine.
Molecular consequence: missense variant.
Genome position (GRCh38, 1-based): chr22:32,498,414, G>A. VCF-style: chr22-32498414-G-A. GRCh37 (hg19) VCF-style: chr22-32894401-G-A.
Other names: c.1216G>A, p.Val406Ile (NM_001033024.2); c.1111G>A, p.Val371Ile (NM_001257990.2); short protein forms V485I, V406I, V371I.
Identifiers: ClinVar variation 597905 (VCV000597905.19), dbSNP rs141286570, ClinGen allele CA10201745.